The following is an entry in ClinVar:

ClinVar aggregate classification (germline): Likely benign (1 of 4 stars; one submission).

Submission:

CeGaT Center for Human Genetics Tuebingen
Classification: Likely benign. Last evaluated: 2026-05-01. Review status: criteria provided, single submitter. Criteria: CeGaT Center For Human Genetics Tuebingen Variant Classification Criteria Version 2. Collection method: clinical testing. Allele origin: germline. Affected: yes. Observed: 1 variant allele.
Comment: RHOBTB2: PM2:Supporting, BP4, BP7

NM_015178.3(RHOBTB2):c.54T>G (p.Val18=)

Gene: RHOBTB2 (Rho related BTB domain containing 2; plus strand). Cytogenetic location: 8p21.3.
Variant type: single nucleotide variant.
Coding change: c.54T>G on transcript NM_015178.3 (MANE Select); coding-DNA position 54, T replaced by G.
Protein change: p.Val18=; no amino-acid change (valine 18 retained).
Molecular consequence: synonymous variant.
Genome position (GRCh38, 1-based): chr8:23,004,488, T>G. VCF-style: chr8-23004488-T-G. GRCh37 (hg19) VCF-style: chr8-22862001-T-G.
Other names: c.120T>G, p.Val40= (NM_001160036.2); c.75T>G, p.Val25= (NM_001160037.2); c.54T>G, p.Val18= (NM_001374791.1).
Identifiers: ClinVar variation 4872343 (VCV004872343.2).